The following is an entry in ClinVar:

NM_006005.3(WFS1):c.883G>A (p.Ala295Thr)

Gene: WFS1 (wolframin ER transmembrane glycoprotein; plus strand). Cytogenetic location: 4p16.1.
Variant type: single nucleotide variant.
Coding change: c.883G>A on transcript NM_006005.3 (MANE Select); coding-DNA position 883, G replaced by A.
Protein change: p.Ala295Thr; replaces alanine 295 with threonine.
Molecular consequence: missense variant.
Genome position (GRCh38, 1-based): chr4:6,300,678, G>A. VCF-style: chr4-6300678-G-A. GRCh37 (hg19) VCF-style: chr4-6302405-G-A.
Other names: c.883G>A, p.Ala295Thr (NM_001145853.1); short protein forms A295T.
Identifiers: ClinVar variation 166580 (VCV000166580.50), dbSNP rs537052067, ClinGen allele CA179637.

ClinVar aggregate classification (germline): Uncertain significance. Review status: criteria provided, multiple submitters, no conflicts (2 of 4 stars). 9 submissions from 9 submitters: Uncertain significance (9). Last evaluated 2025-12-29.

Conditions:
Inborn genetic diseases. Identifiers: MedGen C0950123, MeSH D030342.
Wolfram syndrome 1 (WFS1). Identifiers: Orphanet 3463, MedGen C4551693, MONDO:0009101, OMIM 222300.
Wolfram-like syndrome. Also called: HEARING LOSS, PROGRESSIVE, WITH OPTIC ATROPHY AND/OR IMPAIRED GLUCOSE REGULATION. Identifiers: Orphanet 411590, MedGen C3280358, MONDO:0013673, OMIM 614296.
Autosomal dominant nonsyndromic hearing loss 6 (LFSNHL). Also called: DEAFNESS, AUTOSOMAL DOMINANT 6; DEAFNESS, AUTOSOMAL DOMINANT 14; DEAFNESS, AUTOSOMAL DOMINANT 38; Autosomal dominant nonsyndromic deafness 6. Identifiers: Orphanet 90635, MedGen C1833021, MONDO:0010963, OMIM 600965.

Allele frequency attached by ClinVar (database versions not stated): ExAC 0.00001; gnomAD 0.00001; gnomAD exomes 0.00001 and 0.00009; TOPMed 0.00003.

Submissions (9):

Labcorp Genetics (formerly Invitae), Labcorp
Classification: Uncertain significance. Last evaluated: 2025-12-29. Review status: criteria provided, single submitter. Criteria: Invitae Variant Classification Sherloc (09022015). Collection method: clinical testing. Allele origin: germline.
Comment: This sequence change replaces alanine, which is neutral and non-polar, with threonine, which is neutral and polar, at codon 295 of the WFS1 protein (p.Ala295Thr). This variant is present in population databases (rs537052067, gnomAD 0.005%). This variant has not been reported in the literature in individuals affected with WFS1-related conditions. ClinVar contains an entry for this variant (Variation ID: 166580). Invitae Evidence Modeling of protein sequence and biophysical properties (such as structural, functional, and spatial information, amino acid conservation, physicochemical variation, residue mobility, and thermodynamic stability) indicates that this missense variant is not expected to disrupt WFS1 protein function with a negative predictive value of 95%. In summary, the available evidence is currently insufficient to determine the role of this variant in disease. Therefore, it has been classified as a Variant of Uncertain Significance.

Blueprint Genetics
Classification: Uncertain significance. Last evaluated: 2024-05-07. Review status: criteria provided, single submitter. Criteria: ACMG Guidelines, 2015. Collection method: clinical testing. Allele origin: germline.

GeneDx
Classification: Uncertain significance. Last evaluated: 2024-02-28. Review status: criteria provided, single submitter. Criteria: GeneDx Variant Classification Process June 2021. Collection method: clinical testing. Allele origin: germline. Affected: yes.
Comment: In silico analysis supports that this missense variant does not alter protein structure/function; Has not been previously published as pathogenic or benign to our knowledge

Ambry Genetics
Classification: Uncertain significance for Inborn genetic diseases. Last evaluated: 2023-10-25. Review status: criteria provided, single submitter. Criteria: Ambry Variant Classification Scheme 2023. Collection method: clinical testing. Allele origin: germline.

CeGaT Center for Human Genetics Tuebingen
Classification: Uncertain significance. Last evaluated: 2022-04-01. Review status: criteria provided, single submitter. Criteria: CeGaT Center For Human Genetics Tuebingen Variant Classification Criteria Version 2. Collection method: clinical testing. Allele origin: germline. Affected: yes. Observed: 1 variant allele.

New York Genome Center
Classification: Uncertain significance for Autosomal dominant nonsyndromic hearing loss 6; Wolfram-like syndrome; Wolfram syndrome 1. Last evaluated: 2021-08-14. Review status: criteria provided, single submitter. Criteria: NYGC Assertion Criteria 2020. Collection method: clinical testing. Allele origin: inherited. Observed: 1 heterozygote. Study: CSER-NYCKidSeq.
Comment: The inherited missense variant c.883G>A, p.Ala295Thr identified in the WFS1 gene has not been reported in individuals with WFS1-related disorders. This variant has two heterozygous (0.001%) in gnomAD v3.1.1, suggesting it is not a common benign variant in the populations represented in this database. In silico tools predict conflicting evidence of pathogenicity. Based on the available evidence, the c.883G>A, p.Ala295Thr variant in the WFS1 gene is classified as a variant of uncertain significance.

Laboratory for Molecular Medicine, Mass General Brigham Personalized Medicine
Classification: Uncertain significance. Last evaluated: 2017-03-09. Review status: criteria provided, single submitter. Criteria: LMM Criteria. Collection method: clinical testing. Allele origin: germline. Observed: 3 variant alleles.
Comment: Variant classified as Uncertain Significance - Favor Benign. There is limited control information for the WFS1 gene on the Saudi population; therefore, we can not rule out that this variant is part of the spectrum of benign variation in th is population. This variant has been identified in 1/66652 European chromosomes by the Exome Aggregation Consortium (ExAC; dbSNP rs537052067). Although this variant has been seen in the general population, it s frequency is not high enough to rule out a pathogenic role. Alanine (Ala) at p osition 295 is not conserved in mammals or in evolutionarily distant species, wi th 1 mammal (Aardvark) having a threonine (Thr) at this position. Additional com putational prediction tools suggest that this variant may not impact the protein , though this information is not predictive enough to rule out pathogenicity. In summary, while the clinical significance of the p.Ala295Thr variant is uncertai n, available data suggest that it is more likely to be benign.

Breakthrough Genomics
Classification: Uncertain significance. Review status: criteria provided, single submitter. Criteria: ACMG Guidelines, 2015. Collection method: not provided. Allele origin: germline. Inheritance: Autosomal recessive inheritance. Affected: yes.

Clinical Genomics, Uppaluri K&H Personalized Medicine Clinic
Classification: Uncertain significance for Wolfram syndrome 1. Review status: criteria provided, single submitter. Criteria: K & H Uppaluri Personalized Medicine Clinic Variant Classification & Assertion Criteria_Updated V.1. Collection method: research. Allele origin: unknown. Inheritance: Autosomal recessive inheritance.
Comment: Potent mutations in WFS1 gene are associated with Wolfram's syndrome, an autosomal recessive condition, which cause diabetes mellitus, diabetes insipidus, deafness and optic atrophy. However no sufficient evidence is found to ascertain the role of this particular variant rs537052067 in Wolfram's syndrome yet.

Literature cited by the submitters: PubMed 29048421 (cited by Ambry Genetics); PubMed 20738327 (cited by Clinical Genomics, Uppaluri K&H Personalized Medicine Clinic); PubMed 33879153 (cited by Clinical Genomics, Uppaluri K&H Personalized Medicine Clinic); PubMed 12955714 (cited by Clinical Genomics, Uppaluri K&H Personalized Medicine Clinic); PubMed 18060660 (cited by Clinical Genomics, Uppaluri K&H Personalized Medicine Clinic); PubMed 20301750 (cited by Clinical Genomics, Uppaluri K&H Personalized Medicine Clinic); PubMed 17603484 (cited by Clinical Genomics, Uppaluri K&H Personalized Medicine Clinic).